The following is an entry in ClinVar:

NM_152296.5(ATP1A3):c.1807-1G>A

Gene: ATP1A3 (ATPase Na+/K+ transporting subunit alpha 3; minus strand). Cytogenetic location: 19q13.2.
Variant type: single nucleotide variant.
Coding change: c.1807-1G>A on transcript NM_152296.5 (MANE Select); the canonical splice acceptor site of the intron before coding-DNA position 1807, G replaced by A.
Molecular consequence: splice acceptor variant.
Genome position (GRCh38, 1-based): chr19:41,978,073, C>T on the plus strand (G>A on the coding strand, the complement: ATP1A3 is on the minus strand). VCF-style: chr19-41978073-C-T. GRCh37 (hg19) VCF-style: chr19-42482225-C-T.
Other names: c.1846-1G>A (NM_001256214.2); c.1840-1G>A (NM_001256213.2).
Identifiers: ClinVar variation 3573699 (VCV003573699.1).
Genomic context (GRCh38, chr19:41,978,073, plus strand): 5'-GCCCACACCCTTGGCAATGGCCTTGGCCGTGATGGGGTGATCGCCGGTGACCATGATGAC[C>T]TGCAGGCATTGTTTTTTAGGGATGGCCTCTCCCGCCCCACGCCTGGCTTTGCCTCCCCCA-3'

ClinVar aggregate classification (germline): Uncertain significance (1 of 4 stars; one submission).

Submission:

GeneDx
Classification: Uncertain significance. Last evaluated: 2024-07-12. Review status: criteria provided, single submitter. Criteria: GeneDx Variant Classification Process June 2021. Collection method: clinical testing. Allele origin: germline. Affected: yes.
Comment: Not observed at significant frequency in large population cohorts (gnomAD); Canonical splice site variant in a gene or region of a gene for which loss of function is not a well-established mechanism of disease; Has not been previously published as pathogenic or benign to our knowledge